The following is an entry in ClinVar:

ClinVar aggregate classification (germline): Likely benign (0 of 4 stars; one submission).

Conditions:
DYNC1H1-related disorder. Also called: DYNC1H1-related condition; DYNC1H1-related disorders. Identifiers: MedGen CN381529.

Submission:

PreventionGenetics, part of Exact Sciences
Classification: Likely benign for DYNC1H1-related condition. Last evaluated: 2023-05-16. Review status: no assertion criteria provided. Collection method: clinical testing. Allele origin: germline.
Comment: This variant is classified as likely benign based on ACMG/AMP sequence variant interpretation guidelines (Richards et al. 2015 PMID: 25741868, with internal and published modifications).

NM_001376.5(DYNC1H1):c.8508-8C>G

Gene: DYNC1H1 (dynein cytoplasmic 1 heavy chain 1; plus strand). Cytogenetic location: 14q32.31.
Variant type: single nucleotide variant.
Coding change: c.8508-8C>G on transcript NM_001376.5 (MANE Select); 8 bases into the intron before coding-DNA position 8508, C replaced by G.
Molecular consequence: intron variant.
Genome position (GRCh38, 1-based): chr14:102,022,743, C>G. VCF-style: chr14-102022743-C-G. GRCh37 (hg19) VCF-style: chr14-102489080-C-G.
Identifiers: ClinVar variation 3047001 (VCV003047001.2), dbSNP rs766389411, ClinGen allele CA2740097205.